The following is an entry in ClinVar:

NM_020829.4(RIC1):c.1878A>G (p.Gln626=)

Gene: RIC1 (RIC1 partner of RAB6A GEF complex; plus strand). Cytogenetic location: 9p24.1.
Variant type: single nucleotide variant.
Coding change: c.1878A>G on transcript NM_020829.4 (MANE Select); coding-DNA position 1878, A replaced by G.
Protein change: p.Gln626=; no amino-acid change (glutamine 626 retained).
Molecular consequence: synonymous variant.
Genome position (GRCh38, 1-based): chr9:5,757,337, A>G. VCF-style: chr9-5757337-A-G. GRCh37 (hg19) VCF-style: chr9-5757337-A-G.
Other names: NC_000009.11:g.5757337A>G; c.1878A>G, p.Gln626= (NM_001135920.4); c.1767A>G, p.Gln589= (NM_001206557.2).
Identifiers: ClinVar variation 2659052 (VCV002659052.25), dbSNP rs201667482, ClinGen allele CA4974800.
Genomic context (GRCh38, chr9:5,757,337, plus strand): 5'-GTTGTTGAGGTATGTGGGTTTCTTTTGTTTTTACAGTCCAAATACTACTGCTGGTATTCA[A>G]GTTCTTCAGGAGGTTTCCATGTCACGCTACATTCCTCACCCTTTCCTGGTGGTATCTGTC-3'
Protein context (NP_065880.2, residues 616-636): SDGPNTTAGI[Gln626=]VLQEVSMSRY

ClinVar aggregate classification (germline): Likely benign (1 of 4 stars; one submission).

Allele frequency attached by ClinVar (database versions not stated): TOPMed 0.00009; gnomAD 0.00024; ExAC 0.00057; 1000 Genomes Project 0.00160; 1000 Genomes Project 30x 0.00172.
gnomAD v4.1: 438 of 1,614,040 alleles (0.027%); highest among the groups gnomAD compares: South Asian, 0.39%; 1 homozygote.

Submissions (2):

CeGaT Center for Human Genetics Tuebingen
Classification: Likely benign. Last evaluated: 2024-09-01. Review status: criteria provided, single submitter. Criteria: CeGaT Center For Human Genetics Tuebingen Variant Classification Criteria Version 2. Collection method: clinical testing. Allele origin: germline. Affected: yes. Observed: 3 variant alleles.
Comment: RIC1: BP4, BP7

Dr. Peter K. Rogan Lab, Western University
No classification provided (evidence only). Condition: Familial cancer of breast. Review status: no classification provided. Collection method: in vitro. Allele origin: not applicable. Functional consequence: skipped exon. Not counted in ClinVar's aggregate classification.